The following is an entry in ClinVar:

NM_025114.4(CEP290):c.7394A>C (p.Glu2465Ala)

Genes: RLIG1 (RNA 5'-phosphate and 3'-OH ligase 1; plus strand), CEP290 (centrosomal protein 290; minus strand). Cytogenetic location: 12q21.32.
Variant type: single nucleotide variant.
Coding change: c.7394A>C on transcript NM_025114.4 (MANE Select); coding-DNA position 7394, A replaced by C.
Protein change: p.Glu2465Ala; replaces glutamic acid 2465 with alanine.
Molecular consequence: missense variant. On other transcripts: 3 prime UTR variant (1).
Genome position (GRCh38, 1-based): chr12:88,049,230, T>G on the plus strand (A>C on the coding strand, the complement: CEP290 is on the minus strand). VCF-style: chr12-88049230-T-G. GRCh37 (hg19) VCF-style: chr12-88443007-T-G.
Other names: c.*808T>G (NM_001009894.3); short protein forms E2465A.
Identifiers: ClinVar variation 3349103 (VCV003349103.2).

ClinVar aggregate classification (germline): Uncertain significance. Review status: criteria provided, single submitter (1 of 4 stars). 2 submissions from 2 submitters: Uncertain significance (1). 1 of the submissions does not count toward it. Last evaluated 2025-01-08.

Conditions:
CEP290-related disorder. Also called: CEP290-related disorders; CEP290-related condition. Identifiers: MedGen CN239314.
Inborn genetic diseases. Identifiers: MedGen C0950123, MeSH D030342.

gnomAD v4.1: 22 of 1,604,206 alleles (0.0014%); highest among the groups gnomAD compares: Non-Finnish European, 0.0018%; no homozygotes.

Submissions (2):

Ambry Genetics
Classification: Uncertain significance for Inborn genetic diseases. Last evaluated: 2025-01-08. Review status: criteria provided, single submitter. Criteria: Ambry Variant Classification Scheme 2023. Collection method: clinical testing. Allele origin: germline.

PreventionGenetics, part of Exact Sciences
Classification: Uncertain significance for CEP290-related condition. Last evaluated: 2024-08-12. Review status: no assertion criteria provided. Collection method: clinical testing. Allele origin: germline. Not counted in ClinVar's aggregate classification.
Comment: The CEP290 c.7394A>C variant is predicted to result in the amino acid substitution p.Glu2465Ala. To our knowledge, this variant has not been reported in the literature. This variant is reported in 0.0035% of alleles in individuals of South Asian descent in gnomAD. At this time, the clinical significance of this variant is uncertain due to the absence of conclusive functional and genetic evidence.